The following is an entry in ClinVar:

NM_001267550.2(TTN):c.899C>A (p.Thr300Asn)

Gene: TTN (titin; minus strand). Cytogenetic location: 2q31.2.
Variant type: single nucleotide variant.
Coding change: c.899C>A on transcript NM_001267550.2 (MANE Select); coding-DNA position 899, C replaced by A.
Protein change: p.Thr300Asn; replaces threonine 300 with asparagine.
Molecular consequence: missense variant.
Genome position (GRCh38, 1-based): chr2:178,799,502, G>T on the plus strand (C>A on the coding strand, the complement: TTN is on the minus strand). VCF-style: chr2-178799502-G-T. GRCh37 (hg19) VCF-style: chr2-179664229-G-T.
Other names: c.899C>A, p.Thr300Asn (NM_001256850.1, NM_003319.4, NM_133378.4 and 3 more transcripts); short protein forms T300N.
Identifiers: ClinVar variation 535262 (VCV000535262.11), dbSNP rs376737897, ClinGen allele CA2006201.
Genomic context (GRCh38, chr2:178,799,502, plus strand): 5'-AGTTCCAAAATGTGCAATAATCTGCTCTCTCTATGGCAGCTTTACCTGACCGGAGATGGG[G>T]TCGGTGCCCGCACGTGTCTGACCGGGGAAGGGGAGTGTCTTATGGGCGATGGGGACTGCT-3'
Protein context (NP_001254479.2, residues 290-310): PSPVRHVRAP[Thr300Asn]PSPVRSVSPA

ClinVar aggregate classification (germline): Conflicting classifications of pathogenicity. Review status: criteria provided, conflicting classifications (1 of 4 stars). 5 submissions from 5 submitters: Uncertain significance (4); Likely benign (1). Last evaluated 2026-05-07.

Conditions:
Dilated cardiomyopathy 1G (CMD1G). Identifiers: Orphanet 154, MedGen C1858763, MONDO:0011400, OMIM 604145.
Autosomal recessive limb-girdle muscular dystrophy type 2J (LGMDR10). Also called: MUSCULAR DYSTROPHY, LIMB-GIRDLE, AUTOSOMAL RECESSIVE 10; Limb-girdle muscular dystrophy, type 2J. Identifiers: Orphanet 140922, MedGen C1837342, MONDO:0012127, OMIM 608807.
TTN-related disorder. Also called: TTN-related condition; TTN-related disease; TTN-related disorders.

Allele frequency attached by ClinVar (database versions not stated): gnomAD exomes 0.00004; gnomAD 0.00005; TOPMed 0.00005; ESP Exome Variant Server 0.00023; ExAC 0.00004.
gnomAD v4.1: 109 of 1,614,028 alleles (0.0068%); highest among the groups gnomAD compares: Non-Finnish European, 0.0085%; no homozygotes.

Submissions (5):

PreventionGenetics, part of Exact Sciences
Classification: Uncertain significance for TTN-related condition. Last evaluated: 2026-05-07. Review status: criteria provided, single submitter. Criteria: ACMG Guidelines, 2015. Collection method: clinical testing. Allele origin: germline.
Comment: The TTN c.899C>A variant is predicted to result in the amino acid substitution p.Thr300Asn. To our knowledge, this variant has not been reported in the literature. This variant is reported in 0.0078% of alleles in individuals of European (Non-Finnish) descent in gnomAD. At this time, the clinical significance of this variant is uncertain due to the absence of conclusive functional and genetic evidence.

Revvity Omics, Revvity
Classification: Uncertain significance. Last evaluated: 2023-03-29. Review status: criteria provided, single submitter. Criteria: ACMG Guidelines, 2015. Collection method: clinical testing. Allele origin: germline.

Women's Health and Genetics/Laboratory Corporation of America, LabCorp
Classification: Uncertain significance. Last evaluated: 2021-06-21. Review status: criteria provided, single submitter. Criteria: LabCorp Variant Classification Summary - May 2015. Collection method: clinical testing. Allele origin: germline.
Comment: Variant summary: TTN c.899C>A (p.Thr300Asn) results in a non-conservative amino acid change located in the Z-disk region of the encoded protein sequence. Three of five in-silico tools predict a benign effect of the variant on protein function. The variant allele was found at a frequency of 3.6e-05 in 251192 control chromosomes. The available data on variant occurrences in the general population are insufficient to allow any conclusion about variant significance. To our knowledge, no occurrence of c.899C>A in individuals affected with Dilated Cardiomyopathy and no experimental evidence demonstrating its impact on protein function have been reported. One clinical diagnostic laboratory has submitted clinical-significance assessments for this variant to ClinVar after 2014 without evidence for independent evaluation and cited the variant as uncertain significance. Based on the evidence outlined above, the variant was classified as uncertain significance.

GeneDx
Classification: Likely benign. Last evaluated: 2020-09-21. Review status: criteria provided, single submitter. Criteria: GeneDx Variant Classification Process June 2021. Collection method: clinical testing. Allele origin: germline. Affected: yes.

Labcorp Genetics (formerly Invitae), Labcorp
Classification: Uncertain significance for Dilated cardiomyopathy 1G; Autosomal recessive limb-girdle muscular dystrophy type 2J. Last evaluated: 2017-12-14. Review status: criteria provided, single submitter. Criteria: Invitae Variant Classification Sherloc (09022015). Collection method: clinical testing. Allele origin: germline.